The following is an entry in ClinVar:

NM_001123385.2(BCOR):c.3802A>G (p.Arg1268Gly)

Gene: BCOR (BCL6 corepressor; minus strand). Cytogenetic location: Xp11.4.
Variant type: single nucleotide variant.
Coding change: c.3802A>G on transcript NM_001123385.2 (MANE Select); coding-DNA position 3802, A replaced by G.
Protein change: p.Arg1268Gly; replaces arginine 1268 with glycine.
Molecular consequence: missense variant.
Genome position (GRCh38, 1-based): chrX:40,063,653, T>C on the plus strand (A>G on the coding strand, the complement: BCOR is on the minus strand). VCF-style: chrX-40063653-T-C. GRCh37 (hg19) VCF-style: chrX-39922906-T-C.
Other names: c.3700A>G, p.Arg1234Gly (NM_001123383.2, NM_017745.6); c.3646A>G, p.Arg1216Gly (NM_001123384.2); short protein forms R1234G, R1268G, R1216G.
Identifiers: ClinVar variation 133694 (VCV000133694.15), dbSNP rs140897453, ClinGen allele CA157363.

ClinVar aggregate classification (germline): Conflicting classifications of pathogenicity. Review status: criteria provided, conflicting classifications (1 of 4 stars). 5 submissions from 5 submitters: Uncertain significance (1); Benign (1); Likely benign (1). 2 of the submissions do not count toward it. Last evaluated 2026-09-01.

Conditions:
BCOR-related disorder. Also called: BCOR-related disorders; BCOR-related condition.
Oculofaciocardiodental syndrome (MCOPS2). Identifiers: Orphanet 2712, MedGen C1846265, MONDO:0010261, OMIM 300166.

Allele frequency attached by ClinVar (database versions not stated): ESP Exome Variant Server 0.00066; ExAC 0.00018; 1000 Genomes Project 0.00053; gnomAD 0.00053 and 0.00058; 1000 Genomes Project 30x 0.00062; TOPMed 0.00062; gnomAD exomes 0.00004 and 0.00012.

Submissions (5):

CeGaT Center for Human Genetics Tuebingen
Classification: Likely benign. Last evaluated: 2026-09-01. Review status: criteria provided, single submitter. Criteria: CeGaT Center For Human Genetics Tuebingen Variant Classification Criteria Version 2. Collection method: clinical testing. Allele origin: germline. Affected: yes. Observed: 1 variant allele.
Comment: BCOR: BP4, BS2

Labcorp Genetics (formerly Invitae), Labcorp
Classification: Benign for Oculofaciocardiodental syndrome. Last evaluated: 2025-07-09. Review status: criteria provided, single submitter. Criteria: Invitae Variant Classification Sherloc (09022015). Collection method: clinical testing. Allele origin: germline.

GeneDx
Classification: Uncertain significance. Last evaluated: 2024-07-22. Review status: criteria provided, single submitter. Criteria: GeneDx Variant Classification Process June 2021. Collection method: clinical testing. Allele origin: germline. Affected: yes.
Comment: In silico analysis supports that this missense variant has a deleterious effect on protein structure/function; Has not been previously published as pathogenic or benign to our knowledge

PreventionGenetics, part of Exact Sciences
Classification: Likely benign for BCOR-related condition. Last evaluated: 2023-12-15. Review status: no assertion criteria provided. Collection method: clinical testing. Allele origin: germline. Not counted in ClinVar's aggregate classification.
Comment: This variant is classified as likely benign based on ACMG/AMP sequence variant interpretation guidelines (Richards et al. 2015 PMID: 25741868, with internal and published modifications).

ITMI
No classification provided. Condition: AllHighlyPenetrant. Last evaluated: 2013-09-19. Review status: no classification provided. Collection method: reference population. Allele origin: germline. Not counted in ClinVar's aggregate classification.
Comment: Please see associated publication for description of ethnicities

Literature cited by the submitters: PubMed 24728327 (cited by ITMI).